The following is an entry in ClinVar:

NM_014633.5(CTR9):c.3365G>A (p.Arg1122His)

Gene: CTR9 (CTR9 component of Paf1/RNA polymerase II complex; plus strand). Cytogenetic location: 11p15.4.
Variant type: single nucleotide variant.
Coding change: c.3365G>A on transcript NM_014633.5 (MANE Select); coding-DNA position 3365, G replaced by A.
Protein change: p.Arg1122His; replaces arginine 1122 with histidine.
Molecular consequence: missense variant.
Genome position (GRCh38, 1-based): chr11:10,778,948, G>A. VCF-style: chr11-10778948-G-A. GRCh37 (hg19) VCF-style: chr11-10800495-G-A.
Other names: c.3365G>A (NM_014633.4); c.3293G>A, p.Arg1098His (NM_001346279.2); short protein forms R1098H, R1122H.
Identifiers: ClinVar variation 1403672 (VCV001403672.7), dbSNP rs367908001, ClinGen allele CA5885572.
Genomic context (GRCh38, chr11:10,778,948, plus strand): 5'-CTGACAATGAATCTGTGCAGTCAGGGAGAAGCCACTCAGGAGTTTCTGAGAACGACTCTC[G>A]CCCAGCTTCTCCAAGTGCCGAATCAGATCACGAATCGGAGAGAGGATCTGATAATGAGGG-3'
Protein context (NP_055448.1, residues 1112-1132): SHSGVSENDS[Arg1122His]PASPSAESDH

ClinVar aggregate classification (germline): Uncertain significance. Review status: criteria provided, multiple submitters, no conflicts (2 of 4 stars). 2 submissions from 2 submitters: Uncertain significance (2). Last evaluated 2024-09-05.

Conditions:
Predisposition to Wilms tumor.

Allele frequency attached by ClinVar (database versions not stated): ExAC 0.00003; gnomAD exomes 0.00003; ESP Exome Variant Server 0.00008; TOPMed 0.00012.
gnomAD v4.1: 27 of 1,613,982 alleles (0.0017%); highest among the groups gnomAD compares: African/African-American, 0.024%; no homozygotes.

Submissions (2):

St. Jude Molecular Pathology, St. Jude Children's Research Hospital
Classification: Uncertain significance for Predisposition to Wilms tumor. Last evaluated: 2024-09-05. Review status: criteria provided, single submitter. Criteria: St. Jude Assertion Criteria 2020. Collection method: clinical testing. Allele origin: germline.
Comment: The CTR9 c.3365G>A (p.Arg1122His) missense change has a maximum subpopulation frequency of 0.028% in gnomAD v2.1.1. The in silico tool REVEL predicts a benign effect on protein function, but this prediction has not been confirmed by functional studies. This variant has not been reported in the literature in individuals with a personal and/or family history of Wilms tumor.??In summary, the evidence currently available is insufficient to determine the clinical significance of this variant. It has therefore been classified as of uncertain significance.?

Labcorp Genetics (formerly Invitae), Labcorp
Classification: Uncertain significance. Last evaluated: 2022-07-05. Review status: criteria provided, single submitter. Criteria: Invitae Variant Classification Sherloc (09022015). Collection method: clinical testing. Allele origin: germline.
Comment: This variant is present in population databases (rs367908001, gnomAD 0.03%). This variant has not been reported in the literature in individuals affected with CTR9-related conditions. ClinVar contains an entry for this variant (Variation ID: 1403672). Algorithms developed to predict the effect of missense changes on protein structure and function output the following: SIFT: "Deleterious"; PolyPhen-2: "Benign"; Align-GVGD: "Class C0". The histidine amino acid residue is found in multiple mammalian species, which suggests that this missense change does not adversely affect protein function. In summary, the available evidence is currently insufficient to determine the role of this variant in disease. Therefore, it has been classified as a Variant of Uncertain Significance. This sequence change replaces arginine, which is basic and polar, with histidine, which is basic and polar, at codon 1122 of the CTR9 protein (p.Arg1122His).